The following is an entry in ClinVar:

NM_144997.7(FLCN):c.1350C>A (p.His450Gln)

Gene: FLCN (folliculin; minus strand). Cytogenetic location: 17p11.2.
Variant type: single nucleotide variant.
Coding change: c.1350C>A on transcript NM_144997.7 (MANE Select); coding-DNA position 1350, C replaced by A.
Protein change: p.His450Gln; replaces histidine 450 with glutamine.
Molecular consequence: missense variant.
Genome position (GRCh38, 1-based): chr17:17,215,267, G>T on the plus strand (C>A on the coding strand, the complement: FLCN is on the minus strand). VCF-style: chr17-17215267-G-T. GRCh37 (hg19) VCF-style: chr17-17118581-G-T.
Other names: c.1404C>A, p.His468Gln (NM_001353229.2); c.1350C>A, p.His450Gln (NM_001353230.2, NM_001353231.2); short protein forms H450Q, H468Q.
Identifiers: ClinVar variation 1770588 (VCV001770588.10), dbSNP rs753685944, ClinGen allele CA8416023.

ClinVar aggregate classification (germline): Conflicting classifications of pathogenicity. Review status: criteria provided, conflicting classifications (1 of 4 stars). 4 submissions from 4 submitters: Uncertain significance (2); Likely benign (2). Last evaluated 2025-03-04.

Conditions:
Birt-Hogg-Dube syndrome 1 (BHD1). Also called: FIBROFOLLICULOMAS WITH TRICHODISCOMAS AND ACROCHORDONS. Identifiers: Orphanet 122, MedGen CN375946, MONDO:0800445, OMIM 135150.
Hereditary cancer-predisposing syndrome. Also called: Tumor predisposition; Neoplastic Syndromes, Hereditary; Hereditary Cancer Syndrome; Hereditary neoplastic syndrome. Identifiers: Orphanet 140162, MedGen C0027672, MeSH D009386, MONDO:0015356.
Birt-Hogg-Dube syndrome. Also called: Birt Hogg Dubé syndrome. Identifiers: Orphanet 122, MedGen C0346010, MONDO:0800444.

gnomAD v4.1: 9 of 1,614,000 alleles (0.00056%); highest among the groups gnomAD compares: South Asian, 0.0088%; no homozygotes.

Submissions (4):

Center for Genomic Medicine, Rigshospitalet, Copenhagen University Hospital
Classification: Uncertain significance. Last evaluated: 2025-03-04. Review status: criteria provided, single submitter. Criteria: ACMG Guidelines, 2015. Collection method: clinical testing. Allele origin: germline.

Myriad Genetics, Inc.
Classification: Likely benign for Birt-Hogg-Dube syndrome 1. Last evaluated: 2024-08-08. Review status: criteria provided, single submitter. Criteria: Myriad Autosomal Dominant, Autosomal Recessive and X-Linked Classification Criteria (2023). Collection method: clinical testing. Allele origin: unknown.
Comment: This variant is considered likely benign. This variant has been observed at a population frequency that is significantly greater than expected given the associated disease prevalence and penetrance.

Labcorp Genetics (formerly Invitae), Labcorp
Classification: Uncertain significance for Birt-Hogg-Dube syndrome. Last evaluated: 2024-03-06. Review status: criteria provided, single submitter. Criteria: Invitae Variant Classification Sherloc (09022015). Collection method: clinical testing. Allele origin: germline.
Comment: This sequence change replaces histidine, which is basic and polar, with glutamine, which is neutral and polar, at codon 450 of the FLCN protein (p.His450Gln). This variant is present in population databases (rs753685944, gnomAD 0.01%). This variant has not been reported in the literature in individuals affected with FLCN-related conditions. ClinVar contains an entry for this variant (Variation ID: 1770588). Advanced modeling of protein sequence and biophysical properties (such as structural, functional, and spatial information, amino acid conservation, physicochemical variation, residue mobility, and thermodynamic stability) performed at Invitae indicates that this missense variant is not expected to disrupt FLCN protein function with a negative predictive value of 80%. In summary, the available evidence is currently insufficient to determine the role of this variant in disease. Therefore, it has been classified as a Variant of Uncertain Significance.

Ambry Genetics
Classification: Likely benign for Hereditary cancer-predisposing syndrome. Last evaluated: 2022-07-21. Review status: criteria provided, single submitter. Criteria: Ambry Variant Classification Scheme 2023. Collection method: clinical testing. Allele origin: germline.